The following is an entry in ClinVar:

ClinVar aggregate classification (germline): Uncertain significance. Review status: criteria provided, multiple submitters, no conflicts (2 of 4 stars). 2 submissions from 2 submitters: Uncertain significance (2). Last evaluated 2024-10-18.

Conditions:
Gastrointestinal stromal tumor. Also called: Gastrointestinal stroma tumor; Gastrointestinal stromal tumor, somatic. Identifiers: Orphanet 44890, MedGen C0238198, MeSH D046152, MONDO:0011719, OMIM 606764, HP:0100723.
Hereditary cancer-predisposing syndrome. Also called: Tumor predisposition; Hereditary Cancer Syndrome; Hereditary neoplastic syndrome; Neoplastic Syndromes, Hereditary. Identifiers: Orphanet 140162, MedGen C0027672, MeSH D009386, MONDO:0015356.

Allele frequency attached by ClinVar (database versions not stated): gnomAD exomes below 0.00001.
gnomAD v4.1: 1 of 1,613,546 alleles (0.000062%); highest among the groups gnomAD compares: Middle Eastern, 0.017%; no homozygotes.

Submissions (2):

Ambry Genetics
Classification: Uncertain significance for Hereditary cancer-predisposing syndrome. Last evaluated: 2024-10-18. Review status: criteria provided, single submitter. Criteria: Ambry Variant Classification Scheme 2023. Collection method: clinical testing. Allele origin: germline.
Comment: The p.Y988C variant (also known as c.2963A>G), located in coding exon 21 of the PDGFRA gene, results from an A to G substitution at nucleotide position 2963. The tyrosine at codon 988 is replaced by cysteine, an amino acid with highly dissimilar properties. This amino acid position is highly conserved in available vertebrate species. In addition, this alteration is predicted to be deleterious by in silico analysis. Since supporting evidence is limited at this time, the clinical significance of this alteration remains unclear.

Labcorp Genetics (formerly Invitae), Labcorp
Classification: Uncertain significance for Gastrointestinal stromal tumor. Last evaluated: 2024-07-22. Review status: criteria provided, single submitter. Criteria: Invitae Variant Classification Sherloc (09022015). Collection method: clinical testing. Allele origin: germline.
Comment: This sequence change replaces tyrosine, which is neutral and polar, with cysteine, which is neutral and slightly polar, at codon 988 of the PDGFRA protein (p.Tyr988Cys). This variant is present in population databases (no rsID available, gnomAD 0.006%). This variant has not been reported in the literature in individuals affected with PDGFRA-related conditions. ClinVar contains an entry for this variant (Variation ID: 1363229). Advanced modeling of protein sequence and biophysical properties (such as structural, functional, and spatial information, amino acid conservation, physicochemical variation, residue mobility, and thermodynamic stability) performed at Invitae indicates that this missense variant is not expected to disrupt PDGFRA protein function with a negative predictive value of 80%. In summary, the available evidence is currently insufficient to determine the role of this variant in disease. Therefore, it has been classified as a Variant of Uncertain Significance.

NM_006206.6(PDGFRA):c.2963A>G (p.Tyr988Cys)

Gene: PDGFRA (platelet derived growth factor receptor alpha; plus strand). Cytogenetic location: 4q12.
Variant type: single nucleotide variant.
Coding change: c.2963A>G on transcript NM_006206.6 (MANE Select); coding-DNA position 2963, A replaced by G.
Protein change: p.Tyr988Cys; replaces tyrosine 988 with cysteine.
Molecular consequence: missense variant.
Genome position (GRCh38, 1-based): chr4:54,290,395, A>G. VCF-style: chr4-54290395-A-G. GRCh37 (hg19) VCF-style: chr4-55156562-A-G.
Other names: c.3038A>G, p.Tyr1013Cys (NM_001347828.2); c.2963A>G, p.Tyr988Cys (NM_001347829.2); c.3002A>G, p.Tyr1001Cys (NM_001347830.2); short protein forms Y1001C, Y1013C, Y988C.
Identifiers: ClinVar variation 1363229 (VCV001363229.11), dbSNP rs1206479566, ClinGen allele CA356896080.